The following is an entry in ClinVar:

NM_201596.3(CACNB2):c.1303-3C>T

Gene: CACNB2 (calcium voltage-gated channel auxiliary subunit beta 2; plus strand). Cytogenetic location: 10p12.31.
Variant type: single nucleotide variant.
Coding change: c.1303-3C>T on transcript NM_201596.3 (MANE Select); 3 bases into the intron before coding-DNA position 1303, C replaced by T.
Molecular consequence: intron variant.
Genome position (GRCh38, 1-based): chr10:18,538,177, C>T. VCF-style: chr10-18538177-C-T. GRCh37 (hg19) VCF-style: chr10-18827106-C-T.
Other names: c.1219-3C>T (NM_201571.4); c.1105-3C>T (NM_001167945.2); c.1147-3C>T (NM_201572.4); c.1189-3C>T (NM_201593.3); c.1231-3C>T (NM_201597.3); c.1138-3C>T (NM_000724.4); c.1024-3C>T (NM_001330060.2); c.1141-3C>T (NM_201590.3, NM_201590.2); and 2 more.
Identifiers: ClinVar variation 2891866 (VCV002891866.4), dbSNP rs2053795027, ClinGen allele CA925493363.
Genomic context (GRCh38, chr10:18,538,177, plus strand): 5'-GAGGTGGGAAGGGGGTGAAAACTGGGCTGGCATCAATGTGGTCTGGAATGTCTGCCTCTG[C>T]AGGAGCTGTTCGATGTGATCTTGGATGAGAACCAGCTTGAGGATGCCTGTGAGCACCTTG-3'

ClinVar aggregate classification (germline): Uncertain significance. Review status: criteria provided, multiple submitters, no conflicts (2 of 4 stars). 2 submissions from 2 submitters: Uncertain significance (2). Last evaluated 2025-02-20.

Conditions:
Cardiovascular phenotype. Identifiers: MedGen CN230736.
Brugada syndrome 4 (BRGDA4). Identifiers: Orphanet 130, MedGen C2678477, MONDO:0012743, OMIM 611876.

Allele frequency attached by ClinVar (database versions not stated): gnomAD 0.00001; TOPMed 0.00001.
gnomAD v4.1: 5 of 1,613,946 alleles (0.00031%); highest among the groups gnomAD compares: East Asian, 0.0067%; no homozygotes.

Submissions (2):

Ambry Genetics
Classification: Uncertain significance for Cardiovascular phenotype. Last evaluated: 2025-02-20. Review status: criteria provided, single submitter. Criteria: Ambry Variant Classification Scheme 2023. Collection method: clinical testing. Allele origin: germline.
Comment: The c.1141-3C>T intronic variant results from a C to T substitution 3 nucleotides upstream from coding exon 12 in the CACNB2 gene. This nucleotide position is highly conserved in available vertebrate species. In silico splice site analysis predicts that this alteration will not have any significant effect on splicing. The evidence for this gene-disease relationship is limited; therefore, the clinical significance of this alteration is unclear.

Labcorp Genetics (formerly Invitae), Labcorp
Classification: Uncertain significance for Brugada syndrome 4. Last evaluated: 2023-04-19. Review status: criteria provided, single submitter. Criteria: Invitae Variant Classification Sherloc (09022015). Collection method: clinical testing. Allele origin: germline.
Comment: In summary, the available evidence is currently insufficient to determine the role of this variant in disease. Therefore, it has been classified as a Variant of Uncertain Significance. Variants that disrupt the consensus splice site are a relatively common cause of aberrant splicing (PMID: 17576681, 9536098). Algorithms developed to predict the effect of sequence changes on RNA splicing suggest that this variant is not likely to affect RNA splicing. This variant has not been reported in the literature in individuals affected with CACNB2-related conditions. This variant is not present in population databases (gnomAD no frequency). This sequence change falls in intron 11 of the CACNB2 gene. It does not directly change the encoded amino acid sequence of the CACNB2 protein. It affects a nucleotide within the consensus splice site.

Literature cited by the submitters: PubMed 17576681 (cited by Labcorp Genetics (formerly Invitae), Labcorp); PubMed 9536098 (cited by Labcorp Genetics (formerly Invitae), Labcorp).